The following is an entry in ClinVar:

ClinVar aggregate classification (germline): Conflicting classifications of pathogenicity. Review status: criteria provided, conflicting classifications (1 of 4 stars). 4 submissions from 4 submitters: Pathogenic (1); Likely pathogenic (1); Uncertain significance (1). 1 of the submissions does not count toward it. Last evaluated 2025-01-15.

Conditions:
Hereditary pulmonary alveolar proteinosis. Also called: Pulmonary surfactant metabolism dysfunction. Identifiers: Orphanet 264675, MedGen C3711368, MONDO:0012580.
Surfactant metabolism dysfunction, pulmonary, 1. Also called: INTERSTITIAL LUNG DISEASE DUE TO SURFACTANT PROTEIN B DEFICIENCY; INTERSTITIAL LUNG DISEASE, NONSPECIFIC, DUE TO SURFACTANT PROTEIN B DEFICIENCY; Neonatal acute respiratory distress due to SP-B deficiency; Pulmonary surfactant protein B, deficiency of; PULMONARY ALVEOLAR PROTEINOSIS, CONGENITAL, 1. Identifiers: Orphanet 217563, MedGen C1968602, MONDO:0009929, OMIM 265120.

Allele frequency attached by ClinVar (database versions not stated): gnomAD exomes 0.00003; ExAC 0.00006; TOPMed 0.00011; gnomAD 0.00014 and 0.00016.
gnomAD v4.1: 69 of 1,596,014 alleles (0.0043%); highest among the groups gnomAD compares: African/African-American, 0.046%; 1 homozygote.

Submissions (4):

GeneDx
Classification: Uncertain significance. Last evaluated: 2025-01-15. Review status: criteria provided, single submitter. Criteria: GeneDx Variant Classification Process June 2021. Collection method: clinical testing. Allele origin: germline. Affected: yes.
Comment: In silico analysis supports that this missense variant has a deleterious effect on protein structure/function; This variant is associated with the following publications: (PMID: 7491219, 15819986, 28888561, 36445537)

Johns Hopkins Genomics, Johns Hopkins University
Classification: Pathogenic for Surfactant metabolism dysfunction, pulmonary, 1. Last evaluated: 2022-02-04. Review status: criteria provided, single submitter. Criteria: ACMG Guidelines, 2015. Collection method: clinical testing. Allele origin: germline.
Comment: SFTPB c.706C>T has been identified in multiple individuals with surfactant protein B (SP-B) deficiency. This SFTPB variant (rs137853202) is rare (<0.1%) in a large population dataset (gnomAD: 11/240328 total alleles; 0.004577%; one homozygote) and has been reported in ClinVar. Three bioinformatic tools queried predict that this substitution would be damaging. The arginine residue at this position is not highly evolutionarily conserved across the species assessed. We consider SFTPB c.706C>T to be pathogenic.

Ambry Genetics
Classification: Likely pathogenic for Hereditary pulmonary alveolar proteinosis. Last evaluated: 2015-10-28. Review status: criteria provided, single submitter. Criteria: Ambry Variant Classification Scheme 2023. Collection method: clinical testing. Allele origin: germline.
Comment: The p.R248C variant (also known as c.742C>T and p.R236C) is located in coding exon 7 of the SFTPB gene. This alteration results from a C to T substitution at nucleotide position 742. The arginine at codon 248 is replaced by cysteine, an amino acid with highly dissimilar properties. This mutation was described in an affected infant with the common c.397delCinsGAA mutation (referred to as 121ins2) on the other chromosome. This patient presented with significantly reduced levels of mature surfactant protein B (Ballard PL et al. Pediatrics. 1995;96(6):1046-1052). This amino acid position is not well conserved in available vertebrate species. This variant was previously reported in the SNPDatabase as rs137853202. Based on data from the NHLBI Exome Sequencing Project (ESP), the T-allele has an overall frequency of approximately 0.02% (2/12,898), having been observed in 0.05% (2/4,354) of African American alleles, and was not observed in 8,544 of European American alleles studied. This variant was not reported in population-based cohorts in the 1000 Genomes Project. This variant is predicted to be possibly damaging by PolyPhen and deleterious by SIFT in silico analyses. Based on the majority of available evidence to date, this variant is likely to be pathogenic.

OMIM
Classification: Pathogenic for SURFACTANT METABOLISM DYSFUNCTION, PULMONARY, 1. Last evaluated: 1995-12-01. Review status: no assertion criteria provided. Collection method: literature only. Allele origin: germline. Not counted in ClinVar's aggregate classification.

Literature cited by the submitters: PubMed 10571948 (cited by Johns Hopkins Genomics, Johns Hopkins University); PubMed 28888561 (cited by Johns Hopkins Genomics, Johns Hopkins University); PubMed 7491219 (cited by Johns Hopkins Genomics, Johns Hopkins University and OMIM); PubMed 9973546 (cited by Johns Hopkins Genomics, Johns Hopkins University).

NM_000542.5(SFTPB):c.706C>T (p.Arg236Cys)

Gene: SFTPB (surfactant protein B; minus strand). Cytogenetic location: 2p11.2.
Variant type: single nucleotide variant.
Coding change: c.706C>T on transcript NM_000542.5 (MANE Select); coding-DNA position 706, C replaced by T.
Protein change: p.Arg236Cys; replaces arginine 236 with cysteine.
Molecular consequence: missense variant.
Genome position (GRCh38, 1-based): chr2:85,663,814, G>A on the plus strand (C>T on the coding strand, the complement: SFTPB is on the minus strand). VCF-style: chr2-85663814-G-A. GRCh37 (hg19) VCF-style: chr2-85890937-G-A.
Other names: c.742C>T (NM_000542.3); c.706C>T, p.Arg236Cys (NM_001367281.2, NM_198843.4); short protein forms R236C.
Identifiers: ClinVar variation 13204 (VCV000013204.7), dbSNP rs137853202, ClinGen allele CA210533.